The following is an entry in ClinVar:

ClinVar aggregate classification (germline): Likely benign. Review status: criteria provided, multiple submitters, no conflicts (2 of 4 stars). 3 submissions from 3 submitters: Likely benign (2). 1 of the submissions does not count toward it. Last evaluated 2025-06-17.

Conditions:
LAMA1-related disorder. Also called: LAMA1-related disorders; LAMA1-related condition.

Allele frequency attached by ClinVar (database versions not stated): ExAC 0.00001; gnomAD exomes 0.00001; gnomAD 0.00007; 1000 Genomes Project 30x 0.00016; TOPMed 0.00018; 1000 Genomes Project 0.00020.
gnomAD v4.1: 26 of 1,614,118 alleles (0.0016%); highest among the groups gnomAD compares: Admixed American, 0.023%; no homozygotes.

Submissions (3):

Labcorp Genetics (formerly Invitae), Labcorp
Classification: Likely benign. Last evaluated: 2025-06-17. Review status: criteria provided, single submitter. Criteria: Invitae Variant Classification Sherloc (09022015). Collection method: clinical testing. Allele origin: germline.

Blueprint Genetics
Classification: Likely benign. Last evaluated: 2024-04-29. Review status: criteria provided, single submitter. Criteria: ACMG Guidelines, 2015. Collection method: clinical testing. Allele origin: germline.

PreventionGenetics, part of Exact Sciences
Classification: Likely benign for LAMA1-related condition. Last evaluated: 2019-06-27. Review status: no assertion criteria provided. Collection method: clinical testing. Allele origin: germline. Not counted in ClinVar's aggregate classification.
Comment: This variant is classified as likely benign based on ACMG/AMP sequence variant interpretation guidelines (Richards et al. 2015 PMID: 25741868, with internal and published modifications).

NM_005559.4(LAMA1):c.6888G>A (p.Gly2296=)

Gene: LAMA1 (laminin subunit alpha 1; minus strand). Cytogenetic location: 18p11.31.
Variant type: single nucleotide variant.
Coding change: c.6888G>A on transcript NM_005559.4 (MANE Select); coding-DNA position 6888, G replaced by A.
Protein change: p.Gly2296=; no amino-acid change (glycine 2296 retained).
Molecular consequence: synonymous variant.
Genome position (GRCh38, 1-based): chr18:6,971,868, C>T on the plus strand (G>A on the coding strand, the complement: LAMA1 is on the minus strand). VCF-style: chr18-6971868-C-T. GRCh37 (hg19) VCF-style: chr18-6971867-C-T.
Identifiers: ClinVar variation 753509 (VCV000753509.11), dbSNP rs200503156, ClinGen allele CA8881096.